The following is an entry in ClinVar:

ClinVar aggregate classification (germline): Conflicting classifications of pathogenicity. Review status: criteria provided, conflicting classifications (1 of 4 stars). 5 submissions from 5 submitters: Uncertain significance (1); Benign (2); Likely benign (1). 1 of the submissions does not count toward it. Last evaluated 2026-06-02.

Conditions:
LRP2-related disorder. Also called: LRP2-related condition.

Allele frequency attached by ClinVar (database versions not stated): TOPMed 0.00006; gnomAD 0.00008 and 0.00009; gnomAD exomes 0.00008 and 0.00017; ExAC 0.00012; ESP Exome Variant Server 0.00023.
gnomAD v4.1: 150 of 1,613,758 alleles (0.0093%); highest among the groups gnomAD compares: Middle Eastern, 0.099%; no homozygotes.

Submissions (5):

GeneDx
Classification: Uncertain significance. Last evaluated: 2026-06-02. Review status: criteria provided, single submitter. Criteria: GeneDx Variant Classification Process June 2021. Collection method: clinical testing. Allele origin: germline.
Comment: In silico analysis indicates that this missense variant does not alter protein structure/function; Has not been previously published as pathogenic or benign to our knowledge

Labcorp Genetics (formerly Invitae), Labcorp
Classification: Benign. Last evaluated: 2026-01-19. Review status: criteria provided, single submitter. Criteria: Invitae Variant Classification Sherloc (09022015). Collection method: clinical testing. Allele origin: germline.

Blueprint Genetics
Classification: Likely benign. Last evaluated: 2024-08-15. Review status: criteria provided, single submitter. Criteria: ACMG Guidelines, 2015. Collection method: clinical testing. Allele origin: germline.

Breakthrough Genomics
Classification: Benign. Review status: criteria provided, single submitter. Criteria: ACMG Guidelines, 2015. Collection method: not provided. Allele origin: germline. Inheritance: Autosomal recessive inheritance. Affected: yes.

PreventionGenetics, part of Exact Sciences
Classification: Likely benign for LRP2-related condition. Last evaluated: 2023-05-18. Review status: no assertion criteria provided. Collection method: clinical testing. Allele origin: germline. Not counted in ClinVar's aggregate classification.
Comment: This variant is classified as likely benign based on ACMG/AMP sequence variant interpretation guidelines (Richards et al. 2015 PMID: 25741868, with internal and published modifications).

NM_004525.3(LRP2):c.7586A>G (p.His2529Arg)

Gene: LRP2 (LDL receptor related protein 2; minus strand). Cytogenetic location: 2q31.1.
Variant type: single nucleotide variant.
Coding change: c.7586A>G on transcript NM_004525.3 (MANE Select); coding-DNA position 7586, A replaced by G.
Protein change: p.His2529Arg; replaces histidine 2529 with arginine.
Molecular consequence: missense variant.
Genome position (GRCh38, 1-based): chr2:169,205,608, T>C on the plus strand (A>G on the coding strand, the complement: LRP2 is on the minus strand). VCF-style: chr2-169205608-T-C. GRCh37 (hg19) VCF-style: chr2-170062118-T-C.
Other names: c.7586A>G (NM_004525.2); short protein forms H2529R.
Identifiers: ClinVar variation 1535613 (VCV001535613.14), dbSNP rs139696516, ClinGen allele CA1954053.